The following is an entry in ClinVar:

ClinVar aggregate classification (germline): Uncertain significance. Review status: criteria provided, multiple submitters, no conflicts (2 of 4 stars). 2 submissions from 2 submitters: Uncertain significance (2). Last evaluated 2023-10-28.

Conditions:
Inborn genetic diseases. Identifiers: MedGen C0950123, MeSH D030342.

Allele frequency attached by ClinVar (database versions not stated): gnomAD exomes below 0.00001 and 0.00001; ExAC 0.00001; TOPMed 0.00001.
gnomAD v4.1: 5 of 1,614,098 alleles (0.00031%); highest among the groups gnomAD compares: Admixed American, 0.0033%; no homozygotes.

Submissions (2):

Ambry Genetics
Classification: Uncertain significance for Inborn genetic diseases. Last evaluated: 2023-10-28. Review status: criteria provided, single submitter. Criteria: Ambry Variant Classification Scheme 2023. Collection method: clinical testing. Allele origin: germline.

Labcorp Genetics (formerly Invitae), Labcorp
Classification: Uncertain significance. Last evaluated: 2023-07-17. Review status: criteria provided, single submitter. Criteria: Invitae Variant Classification Sherloc (09022015). Collection method: clinical testing. Allele origin: germline.
Comment: In summary, the available evidence is currently insufficient to determine the role of this variant in disease. Therefore, it has been classified as a Variant of Uncertain Significance. Algorithms developed to predict the effect of missense changes on protein structure and function output the following: SIFT: "Not Available"; PolyPhen-2: "Benign"; Align-GVGD: "Not Available". The threonine amino acid residue is found in multiple mammalian species, which suggests that this missense change does not adversely affect protein function. ClinVar contains an entry for this variant (Variation ID: 1514627). This variant has not been reported in the literature in individuals affected with BEST1-related conditions. This variant is present in population databases (rs775915631, gnomAD 0.006%). This sequence change replaces methionine, which is neutral and non-polar, with threonine, which is neutral and polar, at codon 477 of the BEST1 protein (p.Met477Thr).

NM_004183.4(BEST1):c.1430T>C (p.Met477Thr)

Gene: BEST1 (bestrophin 1; plus strand). Cytogenetic location: 11q12.3.
Variant type: single nucleotide variant.
Coding change: c.1430T>C on transcript NM_004183.4 (MANE Select); coding-DNA position 1430, T replaced by C.
Protein change: p.Met477Thr; replaces methionine 477 with threonine.
Molecular consequence: missense variant. On other transcripts: non-coding transcript variant (1).
Genome position (GRCh38, 1-based): chr11:61,962,584, T>C. VCF-style: chr11-61962584-T-C. GRCh37 (hg19) VCF-style: chr11-61730056-T-C.
Other names: c.1250T>C, p.Met417Thr (NM_001139443.3, NM_001300787.2); c.1169T>C, p.Met390Thr (NM_001300786.2); c.1112T>C, p.Met371Thr (NM_001363591.3); c.*325T>C (NM_001363592.2); c.458T>C, p.Met153Thr (NM_001363593.3); short protein forms M371T, M390T, M477T, M153T, M417T.
Identifiers: ClinVar variation 1514627 (VCV001514627.9), dbSNP rs775915631, ClinGen allele CA6041057.